The following is an entry in ClinVar:

ClinVar aggregate classification (germline): Likely benign (1 of 4 stars; one submission).

Allele frequency attached by ClinVar (database versions not stated): gnomAD 0.00006 and 0.00015; TOPMed 0.00030 and 0.00006.

Submission:

GeneDx
Classification: Likely benign. Last evaluated: 2017-01-26. Review status: criteria provided, single submitter. Criteria: GeneDx Variant Classification (06012015). Collection method: clinical testing. Allele origin: germline. Affected: yes.
Comment: This variant is considered likely benign or benign based on one or more of the following criteria: it is a conservative change, it occurs at a poorly conserved position in the protein, it is predicted to be benign by multiple in silico algorithms, and/or has population frequency not consistent with disease.

NM_152268.4(PARS2):c.-30+20T>C

Gene: PARS2 (prolyl-tRNA synthetase 2, mitochondrial; minus strand). Cytogenetic location: 1p32.3.
Variant type: single nucleotide variant.
Coding change: c.-30+20T>C on transcript NM_152268.4 (MANE Select); 20 bases into the intron after 30 bases upstream of the start codon, T replaced by C.
Molecular consequence: intron variant.
Genome position (GRCh38, 1-based): chr1:54,764,441, A>G on the plus strand (T>C on the coding strand, the complement: PARS2 is on the minus strand). VCF-style: chr1-54764441-A-G. GRCh37 (hg19) VCF-style: chr1-55230114-A-G.
Identifiers: ClinVar variation 386608 (VCV000386608.1), dbSNP rs986872618, ClinGen allele CA16603741.